The following is an entry in ClinVar:

ClinVar aggregate classification (germline): Pathogenic (1 of 4 stars; one submission).

Submission:

Labcorp Genetics (formerly Invitae), Labcorp
Classification: Pathogenic. Last evaluated: 2023-11-05. Review status: criteria provided, single submitter. Criteria: Invitae Variant Classification Sherloc (09022015). Collection method: clinical testing. Allele origin: germline.
Comment: This sequence change creates a premature translational stop signal (p.Lys1786*) in the ADGRV1 gene. It is expected to result in an absent or disrupted protein product. Loss-of-function variants in ADGRV1 are known to be pathogenic (PMID: 19357117, 22135276, 22147658, 26226137, 30718709, 31047384, 32467589). This variant is not present in population databases (gnomAD no frequency). This variant has not been reported in the literature in individuals affected with ADGRV1-related conditions. For these reasons, this variant has been classified as Pathogenic.

Literature cited by the submitters: PubMed 19357117; PubMed 22135276; PubMed 22147658; PubMed 26226137; PubMed 30718709; PubMed 31047384; PubMed 32467589.

NM_032119.4(ADGRV1):c.5356A>T (p.Lys1786Ter)

Gene: ADGRV1 (adhesion G protein-coupled receptor V1; plus strand). Cytogenetic location: 5q14.3.
Variant type: single nucleotide variant.
Coding change: c.5356A>T on transcript NM_032119.4 (MANE Select); coding-DNA position 5356, A replaced by T.
Protein change: p.Lys1786Ter; replaces lysine 1786 with a stop codon.
Molecular consequence: nonsense. On other transcripts: non-coding transcript variant (1).
Genome position (GRCh38, 1-based): chr5:90,676,122, A>T. VCF-style: chr5-90676122-A-T. GRCh37 (hg19) VCF-style: chr5-89971939-A-T.
Other names: short protein forms K1786*.
Identifiers: ClinVar variation 2693553 (VCV002693553.3), dbSNP rs1382307460, ClinGen allele CA360410672.